The following is an entry in ClinVar:

ClinVar aggregate classification (germline): Benign/Likely benign. Review status: criteria provided, multiple submitters, no conflicts (2 of 4 stars). 4 submissions from 4 submitters: Benign (1); Likely benign (2). 1 of the submissions does not count toward it. Last evaluated 2025-10-20.

Conditions:
Inborn genetic diseases. Identifiers: MedGen C0950123, MeSH D030342.
RAI1-related disorder. Also called: RAI1-related condition.

Allele frequency attached by ClinVar (database versions not stated): gnomAD 0.00005 and 0.00009; gnomAD exomes 0.00010 and 0.00011; ExAC 0.00011; TOPMed 0.00011.
gnomAD v4.1: 158 of 1,614,012 alleles (0.0098%); highest among the groups gnomAD compares: South Asian, 0.078%; 2 homozygotes.

Submissions (4):

Labcorp Genetics (formerly Invitae), Labcorp
Classification: Benign. Last evaluated: 2025-10-20. Review status: criteria provided, single submitter. Criteria: Invitae Variant Classification Sherloc (09022015). Collection method: clinical testing. Allele origin: germline.

Blueprint Genetics
Classification: Likely benign. Last evaluated: 2024-09-20. Review status: criteria provided, single submitter. Criteria: ACMG Guidelines, 2015. Collection method: clinical testing. Allele origin: germline.

Ambry Genetics
Classification: Likely benign for Inborn genetic diseases. Last evaluated: 2017-06-23. Review status: criteria provided, single submitter. Criteria: Ambry Variant Classification Scheme 2023. Collection method: clinical testing. Allele origin: germline.

PreventionGenetics, part of Exact Sciences
Classification: Likely benign for RAI1-related condition. Last evaluated: 2019-09-13. Review status: no assertion criteria provided. Collection method: clinical testing. Allele origin: germline. Not counted in ClinVar's aggregate classification.
Comment: This variant is classified as likely benign based on ACMG/AMP sequence variant interpretation guidelines (Richards et al. 2015 PMID: 25741868, with internal and published modifications).

NM_030665.4(RAI1):c.4794C>T (p.Phe1598=)

Gene: RAI1 (retinoic acid induced 1; plus strand). Cytogenetic location: 17p11.2.
Variant type: single nucleotide variant.
Coding change: c.4794C>T on transcript NM_030665.4 (MANE Select); coding-DNA position 4794, C replaced by T.
Protein change: p.Phe1598=; no amino-acid change (phenylalanine 1598 retained).
Molecular consequence: synonymous variant.
Genome position (GRCh38, 1-based): chr17:17,797,742, C>T. VCF-style: chr17-17797742-C-T. GRCh37 (hg19) VCF-style: chr17-17701056-C-T.
Identifiers: ClinVar variation 1673978 (VCV001673978.13), dbSNP rs769601380, ClinGen allele CA8419028.